The following is an entry in ClinVar:

ClinVar aggregate classification (germline): Uncertain significance. Review status: criteria provided, multiple submitters, no conflicts (2 of 4 stars). 4 submissions from 4 submitters: Uncertain significance (4). Last evaluated 2025-08-03.

Conditions:
Hereditary cancer-predisposing syndrome. Also called: Neoplastic Syndromes, Hereditary; Tumor predisposition; Hereditary Cancer Syndrome; Hereditary neoplastic syndrome. Identifiers: Orphanet 140162, MedGen C0027672, MeSH D009386, MONDO:0015356.
Hereditary nonpolyposis colorectal neoplasms. Identifiers: MedGen C0009405, MeSH D003123.
Endometrial carcinoma. Also called: Endometrial carcinoma, somatic. Identifiers: MedGen C0476089, MONDO:0002447, OMIM 608089, HP:0012114.

Submissions (4):

Labcorp Genetics (formerly Invitae), Labcorp
Classification: Uncertain significance for Hereditary nonpolyposis colorectal neoplasms. Last evaluated: 2025-08-03. Review status: criteria provided, single submitter. Criteria: Invitae Variant Classification Sherloc (09022015). Collection method: clinical testing. Allele origin: germline.
Comment: This sequence change replaces serine, which is neutral and polar, with glycine, which is neutral and non-polar, at codon 227 of the MSH6 protein (p.Ser227Gly). This variant is not present in population databases (gnomAD no frequency). This variant has not been reported in the literature in individuals affected with MSH6-related conditions. ClinVar contains an entry for this variant (Variation ID: 186380). Invitae Evidence Modeling of protein sequence and biophysical properties (such as structural, functional, and spatial information, amino acid conservation, physicochemical variation, residue mobility, and thermodynamic stability) indicates that this missense variant is not expected to disrupt MSH6 protein function with a negative predictive value of 95%. In summary, the available evidence is currently insufficient to determine the role of this variant in disease. Therefore, it has been classified as a Variant of Uncertain Significance.

Color Diagnostics, LLC DBA Color Health
Classification: Uncertain significance for Hereditary cancer-predisposing syndrome. Last evaluated: 2025-06-24. Review status: criteria provided, single submitter. Criteria: ACMG Guidelines, 2015. Collection method: clinical testing. Allele origin: germline.
Comment: This missense variant replaces serine with glycine at codon 227 of the MSH6 protein. Computational prediction suggests that this variant may not impact protein structure and function. To our knowledge, functional studies have not been reported for this variant. This variant has not been reported in individuals affected with MSH6-related disorders in the literature. This variant has not been identified in the general population by the Genome Aggregation Database (gnomAD). The available evidence is insufficient to determine the role of this variant in disease conclusively. Therefore, this variant is classified as a Variant of Uncertain Significance.

Ambry Genetics
Classification: Uncertain significance for Hereditary cancer-predisposing syndrome. Last evaluated: 2024-06-11. Review status: criteria provided, single submitter. Criteria: Ambry Variant Classification Scheme 2023. Collection method: clinical testing. Allele origin: germline.
Comment: The p.S227G variant (also known as c.679A>G), located in coding exon 4 of the MSH6 gene, results from an A to G substitution at nucleotide position 679. The serine at codon 227 is replaced by glycine, an amino acid with similar properties. This amino acid position is well conserved in available vertebrate species. In addition, this alteration is predicted to be tolerated by in silico analysis. Since supporting evidence is limited at this time, the clinical significance of this alteration remains unclear.

Baylor Genetics
Classification: Uncertain significance for Endometrial carcinoma. Last evaluated: 2021-09-06. Review status: criteria provided, single submitter. Criteria: ACMG Guidelines, 2015. Collection method: clinical testing. Allele origin: unknown.

NM_000179.3(MSH6):c.679A>G (p.Ser227Gly)

Gene: MSH6 (mutS homolog 6; plus strand). Cytogenetic location: 2p16.3.
Variant type: single nucleotide variant.
Coding change: c.679A>G on transcript NM_000179.3 (MANE Select); coding-DNA position 679, A replaced by G.
Protein change: p.Ser227Gly; replaces serine 227 with glycine.
Molecular consequence: missense variant. On other transcripts: 5 prime UTR variant (2).
Genome position (GRCh38, 1-based): chr2:47,798,662, A>G. VCF-style: chr2-47798662-A-G. GRCh37 (hg19) VCF-style: chr2-48025801-A-G.
Other names: c.289A>G, p.Ser97Gly (NM_001281492.2); c.-228A>G (NM_001281493.2, NM_001281494.2); short protein forms S227G, S97G.
Identifiers: ClinVar variation 186380 (VCV000186380.18), dbSNP rs786202905, ClinGen allele CA016218.